The following is an entry in ClinVar:

ClinVar aggregate classification (germline): Uncertain significance (1 of 4 stars; one submission).

Submission:

Labcorp Genetics (formerly Invitae), Labcorp
Classification: Uncertain significance. Last evaluated: 2024-03-27. Review status: criteria provided, single submitter. Criteria: Invitae Variant Classification Sherloc (09022015). Collection method: clinical testing. Allele origin: germline.
Comment: This sequence change replaces isoleucine, which is neutral and non-polar, with threonine, which is neutral and polar, at codon 919 of the REST protein (p.Ile919Thr). This variant is not present in population databases (gnomAD no frequency). This variant has not been reported in the literature in individuals affected with REST-related conditions. Algorithms developed to predict the effect of missense changes on protein structure and function output the following: SIFT: "Not Available"; PolyPhen-2: "Benign"; Align-GVGD: "Not Available". The threonine amino acid residue is found in multiple mammalian species, which suggests that this missense change does not adversely affect protein function. In summary, the available evidence is currently insufficient to determine the role of this variant in disease. Therefore, it has been classified as a Variant of Uncertain Significance.

NM_005612.5(REST):c.2756T>C (p.Ile919Thr)

Gene: REST (RE1 silencing transcription factor; plus strand). Cytogenetic location: 4q12.
Variant type: single nucleotide variant.
Coding change: c.2756T>C on transcript NM_005612.5 (MANE Select); coding-DNA position 2756, T replaced by C.
Protein change: p.Ile919Thr; replaces isoleucine 919 with threonine.
Molecular consequence: missense variant.
Genome position (GRCh38, 1-based): chr4:56,931,614, T>C. VCF-style: chr4-56931614-T-C. GRCh37 (hg19) VCF-style: chr4-57797780-T-C.
Other names: c.2756T>C, p.Ile919Thr (NM_001193508.2, NM_001363453.3); short protein forms I919T.
Identifiers: ClinVar variation 3711730 (VCV003711730.2).
Genomic context (GRCh38, chr4:56,931,614, plus strand): 5'-CAGAAGAGGCAGATGAGAGCCTACCTGGTCTTGCTGCTAATATCAACGAATCTACCCATA[T>C]TTCATCCTCTGGACAAAACTTGAATACGCCAGAGGGTGAAACTTTAAATGGTAAACATCA-3'
Protein context (NP_005603.3, residues 909-929): LAANINESTH[Ile919Thr]SSSGQNLNTP